The following is an entry in ClinVar:

ClinVar aggregate classification (germline): Pathogenic (1 of 4 stars; one submission).

Conditions:
Bardet-Biedl syndrome 1 (BBS1). Identifiers: MedGen C2936862, MONDO:0008854, OMIM 209900. Disease mechanism: loss of function.

Submission:

3billion
Classification: Pathogenic for Bardet-Biedl syndrome 1. Last evaluated: 2025-07-09. Review status: criteria provided, single submitter. Criteria: ACMG Guidelines, 2015. Collection method: clinical testing. Allele origin: germline. Affected: yes.
Comment: The variant is not observed in the gnomAD v4.1.0 dataset. Predicted Consequence/Location: Frameshift: predicted to result in a loss or disruption of normal protein function through nonsense-mediated decay (NMD) or protein truncation. Multiple pathogenic variants are reported downstream of the variant. Therefore, this variant is classified as Pathogenic according to the recommendation of ACMG/AMP guideline.

NM_024649.5(BBS1):c.337_338insC (p.Tyr113fs)

Gene: BBS1 (Bardet-Biedl syndrome 1; plus strand). Cytogenetic location: 11q13.2.
Variant type: Insertion.
Coding change: c.337_338insC on transcript NM_024649.5 (MANE Select); coding-DNA positions 337 to 338, C inserted.
Protein change: p.Tyr113fs; shifts the reading frame from tyrosine 113.
Molecular consequence: frameshift variant.
Genome position: GRCh38 VCF-style: chr11-66514583-T-TC. GRCh37 (hg19) VCF-style: chr11-66282054-T-TC.
Other names: short protein forms Y113fs.
Identifiers: ClinVar variation 4855486 (VCV004855486.1).